The following is an entry in ClinVar:

ClinVar aggregate classification (germline): Uncertain significance. Review status: criteria provided, multiple submitters, no conflicts (2 of 4 stars). 3 submissions from 3 submitters: Uncertain significance (3). Last evaluated 2025-10-06.

Conditions:
Inborn genetic diseases. Identifiers: MedGen C0950123, MeSH D030342.
Fraser syndrome 1 (FRASRS1). Also called: CRYPTOPHTHALMOS WITH OTHER MALFORMATIONS. Identifiers: Orphanet 2052, MedGen C4551480, MONDO:0054737, OMIM 219000.

Allele frequency attached by ClinVar (database versions not stated): gnomAD 0.00029; ESP Exome Variant Server 0.00032; TOPMed 0.00034; 1000 Genomes Project 0.00060; 1000 Genomes Project 30x 0.00062.
gnomAD v4.1: 63 of 1,613,706 alleles (0.0039%); highest among the groups gnomAD compares: African/African-American, 0.083%; no homozygotes.

Submissions (3):

Ambry Genetics
Classification: Uncertain significance for Inborn genetic diseases. Last evaluated: 2025-10-06. Review status: criteria provided, single submitter. Criteria: Ambry Variant Classification Scheme 2023. Collection method: clinical testing. Allele origin: germline.

Fulgent Genetics
Classification: Uncertain significance for Fraser syndrome 1. Last evaluated: 2024-06-17. Review status: criteria provided, single submitter. Criteria: ACMG Guidelines, 2015. Collection method: clinical testing. Allele origin: germline.

Labcorp Genetics (formerly Invitae), Labcorp
Classification: Uncertain significance. Last evaluated: 2024-02-17. Review status: criteria provided, single submitter. Criteria: Invitae Variant Classification Sherloc (09022015). Collection method: clinical testing. Allele origin: germline.
Comment: This sequence change replaces threonine, which is neutral and polar, with isoleucine, which is neutral and non-polar, at codon 3200 of the FRAS1 protein (p.Thr3200Ile). This variant is present in population databases (rs200333409, gnomAD 0.1%). This variant has not been reported in the literature in individuals affected with FRAS1-related conditions. ClinVar contains an entry for this variant (Variation ID: 2051020). Advanced modeling of protein sequence and biophysical properties (such as structural, functional, and spatial information, amino acid conservation, physicochemical variation, residue mobility, and thermodynamic stability) performed at Invitae indicates that this missense variant is expected to disrupt FRAS1 protein function with a positive predictive value of 80%. In summary, the available evidence is currently insufficient to determine the role of this variant in disease. Therefore, it has been classified as a Variant of Uncertain Significance.

NM_025074.7(FRAS1):c.9599C>T (p.Thr3200Ile)

Gene: FRAS1 (Fraser extracellular matrix complex subunit 1; plus strand). Cytogenetic location: 4q21.21.
Variant type: single nucleotide variant.
Coding change: c.9599C>T on transcript NM_025074.7 (MANE Select); coding-DNA position 9599, C replaced by T.
Protein change: p.Thr3200Ile; replaces threonine 3200 with isoleucine.
Molecular consequence: missense variant.
Genome position (GRCh38, 1-based): chr4:78,508,825, C>T. VCF-style: chr4-78508825-C-T. GRCh37 (hg19) VCF-style: chr4-79429979-C-T.
Other names: c.9599C>T (NM_025074.6); short protein forms T3200I.
Identifiers: ClinVar variation 2051020 (VCV002051020.4), dbSNP rs200333409, ClinGen allele CA2978704.